The following is an entry in ClinVar:

ClinVar aggregate classification (germline): Uncertain significance (1 of 4 stars; one submission).

Conditions:
Inborn genetic diseases. Identifiers: MedGen C0950123, MeSH D030342.

Submission:

Ambry Genetics
Classification: Uncertain significance for Inborn genetic diseases. Last evaluated: 2024-09-04. Review status: criteria provided, single submitter. Criteria: Ambry Variant Classification Scheme 2023. Collection method: clinical testing. Allele origin: germline.
Comment: The p.I1119M variant (also known as c.3357A>G), located in coding exon 25 of the LRRK2 gene, results from an A to G substitution at nucleotide position 3357. The isoleucine at codon 1119 is replaced by methionine, an amino acid with highly similar properties. This amino acid position is conserved. In addition, this alteration is predicted to be tolerated by in silico analysis. Since supporting evidence is limited at this time, the clinical significance of this alteration remains unclear.

NM_198578.4(LRRK2):c.3357A>G (p.Ile1119Met)

Gene: LRRK2 (leucine rich repeat kinase 2; plus strand). Cytogenetic location: 12q12.
Variant type: single nucleotide variant.
Coding change: c.3357A>G on transcript NM_198578.4 (MANE Select); coding-DNA position 3357, A replaced by G.
Protein change: p.Ile1119Met; replaces isoleucine 1119 with methionine.
Molecular consequence: missense variant.
Genome position (GRCh38, 1-based): chr12:40,299,118, A>G. VCF-style: chr12-40299118-A-G. GRCh37 (hg19) VCF-style: chr12-40692920-A-G.
Other names: short protein forms I1119M.
Identifiers: ClinVar variation 1730553 (VCV001730553.3), dbSNP rs1944523115, ClinGen allele CA384415476.